The following is an entry in ClinVar:

ClinVar aggregate classification (germline): Benign/Likely benign. Review status: criteria provided, multiple submitters, no conflicts (2 of 4 stars). 4 submissions from 4 submitters: Benign (1); Likely benign (3). Last evaluated 2026-03-01.

Conditions:
Prostate cancer, hereditary, 9 (HPC9). Identifiers: Orphanet 1331, MedGen C1970250, MONDO:0012597, OMIM 610997.
Hereditary cancer-predisposing syndrome. Also called: Tumor predisposition; Neoplastic Syndromes, Hereditary; Hereditary Cancer Syndrome; Hereditary neoplastic syndrome. Identifiers: Orphanet 140162, MedGen C0027672, MeSH D009386, MONDO:0015356.

Allele frequency attached by ClinVar (database versions not stated): gnomAD exomes below 0.00001.

Submissions (4):

CeGaT Center for Human Genetics Tuebingen
Classification: Likely benign. Last evaluated: 2026-03-01. Review status: criteria provided, single submitter. Criteria: CeGaT Center For Human Genetics Tuebingen Variant Classification Criteria Version 2. Collection method: clinical testing. Allele origin: germline. Affected: yes. Observed: 1 variant allele.
Comment: HOXB13: BP4, BP7

Myriad Genetics, Inc.
Classification: Benign for Prostate cancer, hereditary, 9. Last evaluated: 2024-10-30. Review status: criteria provided, single submitter. Criteria: Myriad Autosomal Dominant, Autosomal Recessive and X-Linked Classification Criteria (2023). Collection method: clinical testing. Allele origin: unknown.
Comment: This variant is considered benign. This variant is a silent/synonymous amino acid change and it is not expected to impact splicing.

Labcorp Genetics (formerly Invitae), Labcorp
Classification: Likely benign. Last evaluated: 2024-07-24. Review status: criteria provided, single submitter. Criteria: Invitae Variant Classification Sherloc (09022015). Collection method: clinical testing. Allele origin: germline.

Ambry Genetics
Classification: Likely benign for Hereditary cancer-predisposing syndrome. Last evaluated: 2020-05-12. Review status: criteria provided, single submitter. Criteria: Ambry Variant Classification Scheme 2023. Collection method: clinical testing. Allele origin: germline.

NM_006361.6(HOXB13):c.627C>T (p.Asp209=)

Gene: HOXB13 (homeobox B13; minus strand). Cytogenetic location: 17q21.32.
Variant type: single nucleotide variant.
Coding change: c.627C>T on transcript NM_006361.6 (MANE Select); coding-DNA position 627, C replaced by T.
Protein change: p.Asp209=; no amino-acid change (aspartic acid 209 retained).
Molecular consequence: synonymous variant.
Genome position (GRCh38, 1-based): chr17:48,727,018, G>A on the plus strand (C>T on the coding strand, the complement: HOXB13 is on the minus strand). VCF-style: chr17-48727018-G-A. GRCh37 (hg19) VCF-style: chr17-46804380-G-A.
Identifiers: ClinVar variation 1544547 (VCV001544547.15), dbSNP rs1175181412, ClinGen allele CA500501269.